The following is an entry in ClinVar:

ClinVar aggregate classification (germline): Uncertain significance. Review status: criteria provided, multiple submitters, no conflicts (2 of 4 stars). 2 submissions from 2 submitters: Uncertain significance (2). Last evaluated 2024-03-03.

Conditions:
Fanconi anemia (FA). Also called: Fanconi's anemia. Identifiers: Orphanet 84, MedGen C0015625, MeSH D005199, MONDO:0019391.
Fanconi anemia complementation group I (FANCI). Also called: FANCI-Related Fanconi Anemia. Identifiers: Orphanet 84, MedGen C1836861, MONDO:0012186, OMIM 609053.

Allele frequency attached by ClinVar (database versions not stated): gnomAD 0.00001; TOPMed 0.00005.
gnomAD v4.1: 5 of 1,611,412 alleles (0.00031%); highest among the groups gnomAD compares: African/African-American, 0.0053%; no homozygotes.

Submissions (2):

Fulgent Genetics
Classification: Uncertain significance for Fanconi anemia complementation group I. Last evaluated: 2024-03-03. Review status: criteria provided, single submitter. Criteria: ACMG Guidelines, 2015. Collection method: clinical testing. Allele origin: germline.

Labcorp Genetics (formerly Invitae), Labcorp
Classification: Uncertain significance for Fanconi anemia. Last evaluated: 2023-10-13. Review status: criteria provided, single submitter. Criteria: Invitae Variant Classification Sherloc (09022015). Collection method: clinical testing. Allele origin: germline.
Comment: This sequence change replaces glutamine, which is neutral and polar, with glutamic acid, which is acidic and polar, at codon 630 of the FANCI protein (p.Gln630Glu). This variant is present in population databases (no rsID available, gnomAD 0.02%). This variant has not been reported in the literature in individuals affected with FANCI-related conditions. An algorithm developed to predict the effect of missense changes on protein structure and function (PolyPhen-2) suggests that this variant is likely to be disruptive. In summary, the available evidence is currently insufficient to determine the role of this variant in disease. Therefore, it has been classified as a Variant of Uncertain Significance.

NM_001113378.2(FANCI):c.1888C>G (p.Gln630Glu)

Gene: FANCI (FA complementation group I; plus strand). Cytogenetic location: 15q26.1.
Variant type: single nucleotide variant.
Coding change: c.1888C>G on transcript NM_001113378.2 (MANE Select); coding-DNA position 1888, C replaced by G.
Protein change: p.Gln630Glu; replaces glutamine 630 with glutamic acid.
Molecular consequence: missense variant.
Genome position (GRCh38, 1-based): chr15:89,290,279, C>G. VCF-style: chr15-89290279-C-G. GRCh37 (hg19) VCF-style: chr15-89833510-C-G.
Other names: c.1609C>G, p.Gln537Glu (NM_001376910.1); c.1888C>G, p.Gln630Glu (NM_001376911.1, NM_018193.3); short protein forms Q537E, Q630E.
Identifiers: ClinVar variation 2712678 (VCV002712678.3), dbSNP rs996218325, ClinGen allele CA274572005.